The following is an entry in ClinVar:

ClinVar aggregate classification (germline): Uncertain significance (1 of 4 stars; one submission).

Conditions:
Hypertrophic cardiomyopathy 20. Identifiers: MedGen C3151267, MONDO:0013477, OMIM 613876.
Dilated cardiomyopathy 1CC (CMD1CC). Identifiers: Orphanet 154, MedGen C2751084, MONDO:0013147, OMIM 613122.

Submission:

Labcorp Genetics (formerly Invitae), Labcorp
Classification: Uncertain significance for Dilated cardiomyopathy 1CC; Hypertrophic cardiomyopathy 20. Last evaluated: 2019-10-15. Review status: criteria provided, single submitter. Criteria: Invitae Variant Classification Sherloc (09022015). Collection method: clinical testing. Allele origin: germline.
Comment: This variant results in a copy number gain of the genomic region encompassing exons 10-11 of the NEXN gene. While the exact position of this variant cannot be determined from this data, sub-genic copy number gains are generally in tandem (PMID: 25640679). This variant would be expected to be in-frame, preserving the integrity of the reading frame. This variant has not been reported in the literature in individuals with NEXN-related conditions. Experimental studies and prediction algorithms are not available or were not evaluated, and the functional significance of this variant is currently unknown. In summary, the available evidence is currently insufficient to determine the role of this variant in disease. Therefore, it has been classified as a Variant of Uncertain Significance.

Literature cited by the submitters: PubMed 25640679.

NC_000001.11:g.(?_77933272)_(77936054_?)dup

Gene: NEXN (nexilin F-actin binding protein; plus strand). Cytogenetic location: 1p31.1.
Variant type: Duplication.
Identifiers: ClinVar variation 831977 (VCV000831977.5).